The following is an entry in ClinVar:

NM_017837.4(PIGV):c.968A>G (p.Lys323Arg)

Gene: PIGV (phosphatidylinositol glycan anchor biosynthesis class V; plus strand). Cytogenetic location: 1p36.11.
Variant type: single nucleotide variant.
Coding change: c.968A>G on transcript NM_017837.4 (MANE Select); coding-DNA position 968, A replaced by G.
Protein change: p.Lys323Arg; replaces lysine 323 with arginine.
Molecular consequence: missense variant. On other transcripts: non-coding transcript variant (1), intron variant (1).
Genome position (GRCh38, 1-based): chr1:26,795,002, A>G. VCF-style: chr1-26795002-A-G. GRCh37 (hg19) VCF-style: chr1-27121493-A-G.
Other names: c.968A>G, p.Lys323Arg (NM_001202554.2, NM_001374478.1, NM_001374480.1 and 2 more transcripts); c.587A>G, p.Lys196Arg (NM_001374483.1); c.341A>G, p.Lys114Arg (NM_001374484.1, NM_001374485.1); c.79-2561A>G (NM_001374486.1); short protein forms K196R, K323R, K114R.
Identifiers: ClinVar variation 875630 (VCV000875630.10), dbSNP rs774991514, ClinGen allele CA708147.

ClinVar aggregate classification (germline): Uncertain significance. Review status: criteria provided, multiple submitters, no conflicts (2 of 4 stars). 3 submissions from 3 submitters: Uncertain significance (3). Last evaluated 2024-10-28.

Conditions:
Hyperphosphatasia with impaired intellectual development syndrome 1. Also called: Hyperphosphatasia with intellectual disability syndrome 1; MABRY SYNDROME; GLYCOSYLPHOSPHATIDYLINOSITOL BIOSYNTHESIS DEFECT 2. Identifiers: Orphanet 247262, MedGen C4551502, MONDO:0009398, OMIM 239300.

Allele frequency attached by ClinVar (database versions not stated): ExAC 0.00001; TOPMed 0.00014; gnomAD exomes 0.00001.
gnomAD v4.1: 26 of 1,614,092 alleles (0.0016%); highest among the groups gnomAD compares: African/African-American, 0.021%; no homozygotes.

Submissions (3):

Labcorp Genetics (formerly Invitae), Labcorp
Classification: Uncertain significance. Last evaluated: 2024-10-28. Review status: criteria provided, single submitter. Criteria: Invitae Variant Classification Sherloc (09022015). Collection method: clinical testing. Allele origin: germline.
Comment: This sequence change replaces lysine, which is basic and polar, with arginine, which is basic and polar, at codon 323 of the PIGV protein (p.Lys323Arg). This variant is present in population databases (rs774991514, gnomAD 0.02%). This variant has not been reported in the literature in individuals affected with PIGV-related conditions. ClinVar contains an entry for this variant (Variation ID: 875630). Invitae Evidence Modeling of protein sequence and biophysical properties (such as structural, functional, and spatial information, amino acid conservation, physicochemical variation, residue mobility, and thermodynamic stability) indicates that this missense variant is not expected to disrupt PIGV protein function with a negative predictive value of 95%. In summary, the available evidence is currently insufficient to determine the role of this variant in disease. Therefore, it has been classified as a Variant of Uncertain Significance.

Center for Genomics, Ann and Robert H. Lurie Children's Hospital of Chicago
Classification: Uncertain significance for Hyperphosphatasia with impaired intellectual development syndrome 1. Last evaluated: 2022-04-29. Review status: criteria provided, single submitter. Criteria: ACMG Guidelines, 2015. Collection method: clinical testing. Allele origin: germline.
Comment: This variant has not been reported in the literature but is present in the Genome Aggregation Database (Highest reported MAF 0.03% (13/41452). This variant is present in ClinVar (Variation ID:875630). Evolutionary conservation and computational predictive tools suggest that this variant may not impact the protein. In summary, data on this variant is insufficient for disease classification. Therefore, the clinical significance of this variant is uncertain.

Illumina Laboratory Services, Illumina
Classification: Uncertain significance for Hyperphosphatasia with impaired intellectual development syndrome 1. Last evaluated: 2018-01-13. Review status: criteria provided, single submitter. Criteria: ICSL Variant Classification Criteria 13 December 2019. Collection method: clinical testing. Allele origin: germline.